The following is an entry in ClinVar:

NM_020533.3(MCOLN1):c.680+1G>A

Gene: MCOLN1 (mucolipin TRP cation channel 1; plus strand). Cytogenetic location: 19p13.2.
Variant type: single nucleotide variant.
Coding change: c.680+1G>A on transcript NM_020533.3 (MANE Select); the canonical splice donor site of the intron after coding-DNA position 680, G replaced by A.
Molecular consequence: splice donor variant.
Genome position (GRCh38, 1-based): chr19:7,527,629, G>A. VCF-style: chr19-7527629-G-A. GRCh37 (hg19) VCF-style: chr19-7592515-G-A.
Identifiers: ClinVar variation 813499 (VCV000813499.9), dbSNP rs1599254152, ClinGen allele CA403082527.

ClinVar aggregate classification (germline): Pathogenic/Likely pathogenic. Review status: criteria provided, multiple submitters, no conflicts (2 of 4 stars). 3 submissions from 3 submitters: Pathogenic (1); Likely pathogenic (1). 1 of the submissions does not count toward it. Last evaluated 2025-11-06.

Conditions:
Mucolipidosis type IV (ML4). Also called: ML IV. Identifiers: Orphanet 578, MedGen C0238286, MONDO:0009653, OMIM 252650.

Allele frequency attached by ClinVar (database versions not stated): gnomAD exomes below 0.00001.
gnomAD v4.1: 2 of 1,601,580 alleles (0.00012%); highest among the groups gnomAD compares: Non-Finnish European, 0.000086%; no homozygotes.

Submissions (3):

Women's Health and Genetics/Laboratory Corporation of America, LabCorp
Classification: Likely pathogenic for Mucolipidosis type IV. Last evaluated: 2025-11-06. Review status: criteria provided, single submitter. Criteria: LabCorp Variant Classification Summary - May 2015. Collection method: clinical testing. Allele origin: germline.
Comment: Variant summary: MCOLN1 c.680+1G>A is located in a canonical splice-site and is predicted to affect mRNA splicing resulting in a significantly altered protein due to either exon skipping, shortening, or inclusion of intronic material. Variants that disrupt the consensus splice site are a relatively common cause of aberrant splicing and loss of MCOLN1 function. Several computational tools predict a significant impact on normal splicing: Two predict the variant abolishes a 5' splicing donor site. However, these predictions have yet to be confirmed by functional studies. The variant was absent in 251410 control chromosomes (gnomAD). c.680+1G>A has been observed in at least one individual affected with Mucolipidosis type IV (internal data). To our knowledge, no experimental evidence demonstrating an impact on protein function has been reported. ClinVar contains an entry for this variant (Variation ID: 813499). Based on the evidence outlined above, the variant was classified as likely pathogenic.

Labcorp Genetics (formerly Invitae), Labcorp
Classification: Pathogenic for Mucolipidosis type IV. Last evaluated: 2024-08-14. Review status: criteria provided, single submitter. Criteria: Invitae Variant Classification Sherloc (09022015). Collection method: clinical testing. Allele origin: germline.
Comment: This sequence change affects a donor splice site in intron 5 of the MCOLN1 gene. It is expected to disrupt RNA splicing. Variants that disrupt the donor or acceptor splice site typically lead to a loss of protein function (PMID: 16199547), and loss-of-function variants in MCOLN1 are known to be pathogenic (PMID: 11030752, 11317355, 37972748). This variant is not present in population databases (gnomAD no frequency). Disruption of this splice site has been observed in individual(s) with mucolipidosis type IV (internal data). In at least one individual the data is consistent with being in trans (on the opposite chromosome) from a pathogenic variant. ClinVar contains an entry for this variant (Variation ID: 813499). Algorithms developed to predict the effect of sequence changes on RNA splicing suggest that this variant may disrupt the consensus splice site. For these reasons, this variant has been classified as Pathogenic.

Baylor Genetics
Classification: Likely pathogenic for Mucolipidosis type IV. Review status: no assertion criteria provided. Collection method: clinical testing. Allele origin: unknown. Not counted in ClinVar's aggregate classification.

Literature cited by the submitters: PubMed 16199547 (cited by Labcorp Genetics (formerly Invitae), Labcorp); PubMed 11030752 (cited by Labcorp Genetics (formerly Invitae), Labcorp); PubMed 11317355 (cited by Labcorp Genetics (formerly Invitae), Labcorp); PubMed 37972748 (cited by Labcorp Genetics (formerly Invitae), Labcorp).